The following is an entry in ClinVar:

ClinVar aggregate classification (germline): Uncertain significance (1 of 4 stars; one submission).

Conditions:
Norman-Roberts syndrome (LIS2). Also called: Lissencephaly 2 (Norman-Roberts type). Identifiers: Orphanet 89844, MedGen C0796089, MONDO:0009760, OMIM 257320.
Familial temporal lobe epilepsy 7. Identifiers: Orphanet 101046, MedGen C4225327, MONDO:0014639, OMIM 616436.

Submission:

Labcorp Genetics (formerly Invitae), Labcorp
Classification: Uncertain significance for Familial temporal lobe epilepsy 7; Norman-Roberts syndrome. Last evaluated: 2023-11-18. Review status: criteria provided, single submitter. Criteria: Invitae Variant Classification Sherloc (09022015). Collection method: clinical testing. Allele origin: germline.
Comment: This sequence change replaces isoleucine, which is neutral and non-polar, with arginine, which is basic and polar, at codon 1869 of the RELN protein (p.Ile1869Arg). This variant is not present in population databases (gnomAD no frequency). This variant has not been reported in the literature in individuals affected with RELN-related conditions. Advanced modeling of protein sequence and biophysical properties (such as structural, functional, and spatial information, amino acid conservation, physicochemical variation, residue mobility, and thermodynamic stability) performed at Invitae indicates that this missense variant is not expected to disrupt RELN protein function with a negative predictive value of 80%. In summary, the available evidence is currently insufficient to determine the role of this variant in disease. Therefore, it has been classified as a Variant of Uncertain Significance.

NM_005045.4(RELN):c.5606T>G (p.Ile1869Arg)

Gene: RELN (reelin; minus strand). Cytogenetic location: 7q22.1.
Variant type: single nucleotide variant.
Coding change: c.5606T>G on transcript NM_005045.4 (MANE Select); coding-DNA position 5606, T replaced by G.
Protein change: p.Ile1869Arg; replaces isoleucine 1869 with arginine.
Molecular consequence: missense variant.
Genome position (GRCh38, 1-based): chr7:103,557,973, A>C on the plus strand (T>G on the coding strand, the complement: RELN is on the minus strand). VCF-style: chr7-103557973-A-C. GRCh37 (hg19) VCF-style: chr7-103198420-A-C.
Other names: c.5606T>G, p.Ile1869Arg (NM_173054.3); short protein forms I1869R.
Identifiers: ClinVar variation 2952365 (VCV002952365.3), dbSNP rs777786628, ClinGen allele CA368742449.
Genomic context (GRCh38, chr7:103,557,973, plus strand): 5'-GAATTGCACAGGGGAGAATTCTCTTGAAGGAAAATAATAAATTCATACTTACTTTTTGCT[A>C]TAAATCTAAGTGAAAACTGGACATACATTGTATTTGTACAATCTAGATCTCTTGAAATAA-3'
Protein context (NP_005036.2, residues 1859-1879): TMYVQFSLRF[Ile1869Arg]AKSTPERSHS